The following is an entry in ClinVar:

ClinVar aggregate classification (germline): Conflicting classifications of pathogenicity. Review status: criteria provided, conflicting classifications (1 of 4 stars). 2 submissions from 2 submitters: Uncertain significance (1); Likely benign (1). Last evaluated 2025-12-08.

Conditions:
Erythrocytosis, familial, 3 (ECYT3). Identifiers: Orphanet 247511, MedGen C1853286, MONDO:0012353, OMIM 609820.

Allele frequency attached by ClinVar (database versions not stated): gnomAD exomes below 0.00001; TOPMed 0.00002; ExAC 0.00005.

Submissions (2):

Labcorp Genetics (formerly Invitae), Labcorp
Classification: Uncertain significance for Erythrocytosis, familial, 3. Last evaluated: 2025-12-08. Review status: criteria provided, single submitter. Criteria: Invitae Variant Classification Sherloc (09022015). Collection method: clinical testing. Allele origin: germline.
Comment: This sequence change replaces proline, which is neutral and non-polar, with leucine, which is neutral and non-polar, at codon 150 of the EGLN1 protein (p.Pro150Leu). The frequency data for this variant in the population databases is considered unreliable, as metrics indicate poor data quality at this position in the gnomAD database. This variant has not been reported in the literature in individuals affected with EGLN1-related conditions. ClinVar contains an entry for this variant (Variation ID: 1375107). An algorithm developed to predict the effect of missense changes on protein structure and function outputs the following: PolyPhen-2: "Benign". The leucine amino acid residue is found in multiple mammalian species, which suggests that this missense change does not adversely affect protein function. In summary, the available evidence is currently insufficient to determine the role of this variant in disease. Therefore, it has been classified as a Variant of Uncertain Significance.

Ambry Genetics
Classification: Likely benign. Last evaluated: 2021-09-26. Review status: criteria provided, single submitter. Criteria: Ambry Variant Classification Scheme 2023. Collection method: clinical testing. Allele origin: germline.

NM_022051.3(EGLN1):c.449C>T (p.Pro150Leu)

Gene: EGLN1 (egl-9 family hypoxia inducible factor 1; minus strand). Cytogenetic location: 1q42.2.
Variant type: single nucleotide variant.
Coding change: c.449C>T on transcript NM_022051.3 (MANE Select); coding-DNA position 449, C replaced by T.
Protein change: p.Pro150Leu; replaces proline 150 with leucine.
Molecular consequence: missense variant.
Genome position (GRCh38, 1-based): chr1:231,421,440, G>A on the plus strand (C>T on the coding strand, the complement: EGLN1 is on the minus strand). VCF-style: chr1-231421440-G-A. GRCh37 (hg19) VCF-style: chr1-231557186-G-A.
Other names: c.449C>T, p.Pro150Leu (NM_001377260.1, NM_001377261.1); short protein forms P150L.
Identifiers: ClinVar variation 1375107 (VCV001375107.8), dbSNP rs758337994, ClinGen allele CA1453182.